The following is an entry in ClinVar:

NM_000059.4(BRCA2):c.8356G>C (p.Ala2786Pro)

Gene: BRCA2 (BRCA2 DNA repair associated; plus strand). Cytogenetic location: 13q13.1.
Variant type: single nucleotide variant.
Coding change: c.8356G>C on transcript NM_000059.4 (MANE Select); coding-DNA position 8356, G replaced by C.
Protein change: p.Ala2786Pro; replaces alanine 2786 with proline.
Molecular consequence: missense variant.
Genome position (GRCh38, 1-based): chr13:32,370,426, G>C. VCF-style: chr13-32370426-G-C. GRCh37 (hg19) VCF-style: chr13-32944563-G-C.
Other names: short protein forms A2786P.
Identifiers: ClinVar variation 52561 (VCV000052561.12), dbSNP rs80359077, ClinGen allele CA025599.

ClinVar aggregate classification (germline): Uncertain significance. Review status: criteria provided, multiple submitters, no conflicts (2 of 4 stars). 3 submissions from 3 submitters: Uncertain significance (2). 1 of the submissions does not count toward it. Last evaluated 2025-08-28.

Conditions:
Hereditary breast ovarian cancer syndrome. Also called: Hereditary breast and ovarian cancer syndrome; Hereditary breast and ovarian cancer; Hereditary breast and ovarian cancer syndrome (HBOC); Breast and ovarian cancer; Hereditary breast and/or ovarian cancer syndrome; BRCA1- and BRCA2-Associated Hereditary Breast and Ovarian Cancer. Identifiers: Orphanet 145, MedGen C0677776, MeSH D061325, MONDO:0003582. Disease mechanism: loss of function.
Hereditary cancer-predisposing syndrome. Also called: Neoplastic Syndromes, Hereditary; Tumor predisposition; Hereditary neoplastic syndrome; Hereditary Cancer Syndrome. Identifiers: Orphanet 140162, MedGen C0027672, MeSH D009386, MONDO:0015356.
Breast-ovarian cancer, familial, susceptibility to, 2 (BROVCA2). Also called: BRCA2 Hereditary Breast and Ovarian Cancer. Identifiers: Orphanet 145, MedGen C2675520, MONDO:0012933, OMIM 612555. Disease mechanism: loss of function.

Submissions (3):

Color Diagnostics, LLC DBA Color Health
Classification: Uncertain significance for Hereditary cancer-predisposing syndrome. Last evaluated: 2025-08-28. Review status: criteria provided, single submitter. Criteria: ACMG Guidelines, 2015. Collection method: clinical testing. Allele origin: germline.
Comment: This missense variant replaces alanine with proline at codon 2786 of the BRCA2 protein. Computational prediction suggests that this variant may have deleterious impact on protein structure and function. Functional studies have reported that this variant impact BRCA2 in homology-directed DNA repair assays, in a haploid cell proliferation assay and in sensitivity assays to cisplatin and PARP inhibitor (PMID: 29394989, 33609447, 39779848, 39779857). To our knowledge, this variant has not been reported in individuals affected with BRCA2-related disorders in the literature. This variant has not been identified in the general population by the Genome Aggregation Database (gnomAD). The available evidence is insufficient to determine the role of this variant in disease conclusively. Therefore, this variant is classified as a Variant of Uncertain Significance.

Labcorp Genetics (formerly Invitae), Labcorp
Classification: Uncertain significance for Hereditary breast ovarian cancer syndrome. Last evaluated: 2017-11-23. Review status: criteria provided, single submitter. Criteria: Invitae Variant Classification Sherloc (09022015). Collection method: clinical testing. Allele origin: germline.
Comment: Algorithms developed to predict the effect of missense changes on protein structure and function do not agree on the potential impact of this missense change (SIFT: "Deleterious"; PolyPhen-2: "Probably Damaging"; Align-GVGD: "Class C0"). In summary, the available evidence is currently insufficient to determine the role of this variant in disease. Therefore, it has been classified as a Variant of Uncertain Significance. This variant has not been reported in the literature in individuals with BRCA2-related disease. ClinVar contains an entry for this variant (Variation ID: 52561). This sequence change replaces alanine with proline at codon 2786 of the BRCA2 protein (p.Ala2786Pro). The alanine residue is highly conserved and there is a small physicochemical difference between alanine and proline. This variant is not present in population databases (ExAC no frequency).

Breast Cancer Information Core (BIC) (BRCA2)
Classification: Uncertain significance for Breast-ovarian cancer, familial 2. Last evaluated: 2004-02-20. Review status: no assertion criteria provided. Collection method: clinical testing. Allele origin: germline. Affected: yes. Observed: 2 variant alleles. Not counted in ClinVar's aggregate classification.

Literature cited by the submitters: PubMed 29394989 (cited by Color Diagnostics, LLC DBA Color Health); PubMed 33609447 (cited by Color Diagnostics, LLC DBA Color Health); PubMed 39779848 (cited by Color Diagnostics, LLC DBA Color Health); PubMed 39779857 (cited by Color Diagnostics, LLC DBA Color Health).